The following is an entry in ClinVar:

ClinVar aggregate classification (germline): Benign/Likely benign. Review status: criteria provided, multiple submitters, no conflicts (2 of 4 stars). 6 submissions from 6 submitters: Benign (2); Likely benign (2). 2 of the submissions do not count toward it. Last evaluated 2026-02-04.

Conditions:
Sideroblastic anemia. Also called: Sideroblastic anaemia. Identifiers: Orphanet 1047, MedGen C0002896, MONDO:0015194, HP:0001924.
Inborn mitochondrial myopathy. Also called: Mitochondrial myopathy; Mitochondrial Myopathies. Identifiers: Orphanet 206966, MedGen C0162670, MONDO:0009637, HP:0003737.
Myopathy, lactic acidosis, and sideroblastic anemia 1 (MLASA1). Identifiers: Orphanet 2598, MedGen C4551958, MONDO:0024553, OMIM 600462.

Allele frequency attached by ClinVar (database versions not stated): ESP Exome Variant Server 0.00062; gnomAD 0.00369; TOPMed 0.00858; 1000 Genomes Project 0.01178; 1000 Genomes Project 30x 0.01280.

Submissions (17):

Labcorp Genetics (formerly Invitae), Labcorp
Classification: Benign. Last evaluated: 2026-02-04. Review status: criteria provided, single submitter. Criteria: Invitae Variant Classification Sherloc (09022015). Collection method: clinical testing. Allele origin: germline.

Illumina Laboratory Services, Illumina
Classification: Likely benign for Myopathy, lactic acidosis, and sideroblastic anemia 1. Last evaluated: 2017-04-27. Review status: criteria provided, single submitter. Criteria: ICSL Variant Classification Criteria 13 December 2019. Collection method: clinical testing. Allele origin: germline.
Comment: This variant was observed as part of a predisposition screen in an ostensibly healthy population. A literature search was performed for the gene, cDNA change, and amino acid change (where applicable). No publications were found based on this search. Allele frequency data from public databases allowed determination this variant is unlikely to cause disease. Therefore, this variant is classified as likely benign.

GeneDx
Classification: Benign. Last evaluated: 2013-11-25. Review status: criteria provided, single submitter. Criteria: GeneDx Variant Classification (06012015). Collection method: clinical testing. Allele origin: germline. Affected: yes.
Comment: This variant is considered likely benign or benign based on one or more of the following criteria: it is a conservative change, it occurs at a poorly conserved position in the protein, it is predicted to be benign by multiple in silico algorithms, and/or has population frequency not consistent with disease.

Breakthrough Genomics
Classification: Likely benign. Review status: criteria provided, single submitter. Criteria: ACMG Guidelines, 2015. Collection method: not provided. Allele origin: germline. Inheritance: Autosomal recessive inheritance. Affected: yes.

Natera, Inc.
Classification: Benign for Mitochondrial myopathy; sideroblastic anemia. Last evaluated: 2020-09-16. Review status: no assertion criteria provided. Collection method: clinical testing. Allele origin: germline. Not counted in ClinVar's aggregate classification.

Mayo Clinic Laboratories, Mayo Clinic
Classification: Benign. Last evaluated: 2017-10-25. Review status: no assertion criteria provided. Collection method: clinical testing. Allele origin: unknown. Not counted in ClinVar's aggregate classification.

Dr. Peter K. Rogan Lab, Western University
No classification provided (evidence only). Condition: Clear cell carcinoma of kidney. Review status: no classification provided. Collection method: in vitro. Allele origin: not applicable. Functional consequence: retained intron. Not counted in ClinVar's aggregate classification.

Dr. Peter K. Rogan Lab, Western University
No classification provided (evidence only). Condition: Familial cancer of breast. Review status: no classification provided. Collection method: in vitro. Allele origin: not applicable. Functional consequence: retained intron. Not counted in ClinVar's aggregate classification.

Dr. Peter K. Rogan Lab, Western University
No classification provided (evidence only). Condition: Thyroid cancer, nonmedullary, 1. Review status: no classification provided. Collection method: in vitro. Allele origin: not applicable. Functional consequence: retained intron. Not counted in ClinVar's aggregate classification.

Dr. Peter K. Rogan Lab, Western University
No classification provided (evidence only). Condition: Cervical cancer. Review status: no classification provided. Collection method: in vitro. Allele origin: not applicable. Functional consequence: retained intron. Not counted in ClinVar's aggregate classification.

Dr. Peter K. Rogan Lab, Western University
No classification provided (evidence only). Condition: Cervical cancer. Review status: no classification provided. Collection method: in vitro. Allele origin: not applicable. Functional consequence: skipped exon. Not counted in ClinVar's aggregate classification.

Dr. Peter K. Rogan Lab, Western University
No classification provided (evidence only). Condition: Cervical cancer. Review status: no classification provided. Collection method: in vitro. Allele origin: not applicable. Functional consequence: retained intron. Not counted in ClinVar's aggregate classification.

Dr. Peter K. Rogan Lab, Western University
No classification provided (evidence only). Condition: Hepatocellular carcinoma. Review status: no classification provided. Collection method: in vitro. Allele origin: not applicable. Functional consequence: retained intron. Not counted in ClinVar's aggregate classification.

Dr. Peter K. Rogan Lab, Western University
No classification provided (evidence only). Condition: Thymoma. Review status: no classification provided. Collection method: in vitro. Allele origin: not applicable. Functional consequence: retained intron. Not counted in ClinVar's aggregate classification.

Dr. Peter K. Rogan Lab, Western University
No classification provided (evidence only). Condition: Ovarian serous cystadenocarcinoma. Review status: no classification provided. Collection method: in vitro. Allele origin: not applicable. Functional consequence: retained intron. Not counted in ClinVar's aggregate classification.

Dr. Peter K. Rogan Lab, Western University
No classification provided (evidence only). Condition: Gastric cancer. Review status: no classification provided. Collection method: in vitro. Allele origin: not applicable. Functional consequence: retained intron. Not counted in ClinVar's aggregate classification.

Dr. Peter K. Rogan Lab, Western University
No classification provided (evidence only). Condition: Gastric cancer. Review status: no classification provided. Collection method: in vitro. Allele origin: not applicable. Functional consequence: retained intron. Not counted in ClinVar's aggregate classification.

NM_025215.6(PUS1):c.364C>A (p.Arg122=)

Genes: PUS1 (pseudouridine synthase 1; plus strand), LOC132090059 (Neanderthal introgressed variant-containing enhancer experimental_25941; plus strand). Cytogenetic location: 12q24.33.
Variant type: single nucleotide variant.
Coding change: c.364C>A on transcript NM_025215.6 (MANE Select); coding-DNA position 364, C replaced by A.
Protein change: p.Arg122=; no amino-acid change (arginine 122 retained).
Molecular consequence: synonymous variant.
Genome position (GRCh38, 1-based): chr12:131,932,235, C>A. VCF-style: chr12-131932235-C-A. GRCh37 (hg19) VCF-style: chr12-132416780-C-A.
Other names: p.R122R:CGG>AGG; c.280C>A, p.Arg94= (NM_001002019.3, NM_001002020.3).
Identifiers: ClinVar variation 138858 (VCV000138858.20), dbSNP rs142954643, ClinGen allele CA293005.